The following is an entry in ClinVar:

NM_001367624.2(ZNF469):c.5785G>A (p.Ala1929Thr)

Gene: ZNF469 (zinc finger protein 469; plus strand). Cytogenetic location: 16q24.2.
Variant type: single nucleotide variant.
Coding change: c.5785G>A on transcript NM_001367624.2 (MANE Select); coding-DNA position 5785, G replaced by A.
Protein change: p.Ala1929Thr; replaces alanine 1929 with threonine.
Molecular consequence: missense variant.
Genome position (GRCh38, 1-based): chr16:88,433,255, G>A. VCF-style: chr16-88433255-G-A. GRCh37 (hg19) VCF-style: chr16-88499663-G-A.
Other names: NM_001127464.1:c.5701G>A; short protein forms A1929T.
Identifiers: ClinVar variation 1946573 (VCV001946573.5), dbSNP rs1249651303, ClinGen allele CA397102380.

ClinVar aggregate classification (germline): Conflicting classifications of pathogenicity. Review status: criteria provided, conflicting classifications (1 of 4 stars). 2 submissions from 2 submitters: Uncertain significance (1); Likely benign (1). Last evaluated 2024-07-30.

Conditions:
Cardiovascular phenotype. Identifiers: MedGen CN230736.

Allele frequency attached by ClinVar (database versions not stated): gnomAD 0.00001; TOPMed 0.00001.
gnomAD v4.1: 4 of 1,550,128 alleles (0.00026%); highest among the groups gnomAD compares: African/African-American, 0.0014%; no homozygotes.

Submissions (2):

Ambry Genetics
Classification: Likely benign for Cardiovascular phenotype. Last evaluated: 2024-07-30. Review status: criteria provided, single submitter. Criteria: Ambry Variant Classification Scheme 2023. Collection method: clinical testing. Allele origin: germline.

Labcorp Genetics (formerly Invitae), Labcorp
Classification: Uncertain significance. Last evaluated: 2021-08-23. Review status: criteria provided, single submitter. Criteria: Invitae Variant Classification Sherloc (09022015). Collection method: clinical testing. Allele origin: germline.
Comment: In summary, the available evidence is currently insufficient to determine the role of this variant in disease. Therefore, it has been classified as a Variant of Uncertain Significance. Algorithms developed to predict the effect of missense changes on protein structure and function output the following: SIFT: "Tolerated"; PolyPhen-2: "Benign"; Align-GVGD: "Class C0". The threonine amino acid residue is found in multiple mammalian species, which suggests that this missense change does not adversely affect protein function. This variant has not been reported in the literature in individuals affected with ZNF469-related conditions. This variant is not present in population databases (ExAC no frequency). This sequence change replaces alanine with threonine at codon 1901 of the ZNF469 protein (p.Ala1901Thr). The alanine residue is weakly conserved and there is a small physicochemical difference between alanine and threonine.